The following is an entry in ClinVar:

NM_001077525.3(MTMR14):c.211_218del (p.Phe71fs)

Gene: MTMR14 (myotubularin related protein 14; plus strand). Cytogenetic location: 3p25.3.
Variant type: Deletion.
Coding change: c.211_218del on transcript NM_001077525.3 (MANE Select); coding-DNA positions 211 to 218, 8 bases deleted (TTCAGCGT; older notation c.211_218delTTCAGCGT).
Protein change: p.Phe71fs; shifts the reading frame from phenylalanine 71.
Molecular consequence: frameshift variant. On other transcripts: 5 prime UTR variant (14), non-coding transcript variant (8), intron variant (6).
Genome position (GRCh38, 1-based): chr3:9,653,672-9,653,679, TTCAGCGT deleted; deleting any 8 consecutive bases within chr3:9,653,670-9,653,679 gives the same sequence; the c. name uses the placement nearest the transcript's 3' end. VCF-style (leftmost placement, unchanged base first): chr3-9653669-TGTTTCAGC-T. GRCh37 (hg19) VCF-style: chr3-9695353-TGTTTCAGC-T.
Other names: c.211_218del, p.Phe71fs (NM_001077526.3, NM_001400519.1, NM_001400520.1 and 9 more transcripts); c.280_287del, p.Phe94fs (NM_001400518.1, NM_001400521.1, NM_001400526.1); c.-295_-288del (NM_001400533.1, NM_001400539.1, NM_001400545.1); c.-356_-349del (NM_001400534.1, NM_001400538.1, NM_001400541.1 and 3 more transcripts); c.-323_-316del (NM_001400540.1); c.-368_-361del (NM_001400544.1); c.-505_-498del (NM_001400547.1); c.-429_-422del (NM_001400548.1); and 4 more; short protein forms F94fs, F71fs.
Identifiers: ClinVar variation 1978341 (VCV001978341.4), dbSNP rs1419694315, ClinGen allele CA771529080.
Genomic context (GRCh38, chr3:9,653,669, plus strand): 5'-TTCTCTGTGCAGGTTGAGCGCATTGAGAAGAGATGTCTGGAGCTGTTTGGCCGAGACTAC[TGTTTCAGC>T]GTGATTCCAAACACGAATGGGGATATCTGTGGCCACTATCCCCGGCACATCGTGTTCCTG-3'

ClinVar aggregate classification (germline): Uncertain significance (1 of 4 stars; one submission).

Submission:

Labcorp Genetics (formerly Invitae), Labcorp
Classification: Uncertain significance. Last evaluated: 2025-06-04. Review status: criteria provided, single submitter. Criteria: Invitae Variant Classification Sherloc (09022015). Collection method: clinical testing. Allele origin: germline.
Comment: This sequence change creates a premature translational stop signal (p.Phe71Aspfs*22) in the MTMR14 gene. It is expected to result in an absent or disrupted protein product. However, the current clinical and genetic evidence is not sufficient to establish whether loss-of-function variants in MTMR14 cause disease. This variant is not present in population databases (gnomAD no frequency). This variant has not been reported in the literature in individuals affected with MTMR14-related conditions. ClinVar contains an entry for this variant (Variation ID: 1978341). In summary, the available evidence is currently insufficient to determine the role of this variant in disease. Therefore, it has been classified as a Variant of Uncertain Significance.